The following is an entry in ClinVar:

NM_001134831.2(AHI1):c.1156C>T (p.Arg386Trp)

Gene: AHI1 (Abelson helper integration site 1; minus strand). Cytogenetic location: 6q23.3.
Variant type: single nucleotide variant.
Coding change: c.1156C>T on transcript NM_001134831.2 (MANE Select); coding-DNA position 1156, C replaced by T.
Protein change: p.Arg386Trp; replaces arginine 386 with tryptophan.
Molecular consequence: missense variant.
Genome position (GRCh38, 1-based): chr6:135,455,922, G>A on the plus strand (C>T on the coding strand, the complement: AHI1 is on the minus strand). VCF-style: chr6-135455922-G-A. GRCh37 (hg19) VCF-style: chr6-135777060-G-A.
Other names: c.1156C>T, p.Arg386Trp (NM_001134830.2, NM_001134832.2, NM_001350503.2 and 2 more transcripts); short protein forms R386W.
Identifiers: ClinVar variation 1383642 (VCV001383642.7), dbSNP rs183862577, ClinGen allele CA4012645.

ClinVar aggregate classification (germline): Uncertain significance. Review status: criteria provided, multiple submitters, no conflicts (2 of 4 stars). 5 submissions from 5 submitters: Uncertain significance (5). Last evaluated 2026-09-15.

Conditions:
Inborn genetic diseases. Identifiers: MedGen C0950123, MeSH D030342.
Joubert syndrome 3 (JBTS3). Also called: AHI1-related Ciliopathy. Identifiers: Orphanet 220493, MedGen C1837713, MONDO:0012078, OMIM 608629.
AHI1-related disorder. Also called: AHI1-related condition.
Joubert syndrome. Also called: Familial aplasia of the vermis; JOUBERT-BOLTSHAUSER SYNDROME. Identifiers: Orphanet 475, MedGen C5979921, MONDO:0018772.

Allele frequency attached by ClinVar (database versions not stated): TOPMed 0.00002; ExAC 0.00009; 1000 Genomes Project 30x 0.00016; 1000 Genomes Project 0.00020; gnomAD 0.00001.
gnomAD v4.1: 45 of 1,440,652 alleles (0.0031%); highest among the groups gnomAD compares: Middle Eastern, 0.019%; no homozygotes.

Submissions (5):

PreventionGenetics, part of Exact Sciences
Classification: Uncertain significance for AHI1-related condition. Last evaluated: 2026-09-15. Review status: criteria provided, single submitter. Criteria: ACMG Guidelines, 2015. Collection method: clinical testing. Allele origin: germline.
Comment: The AHI1 c.1156C>T variant is predicted to result in the amino acid substitution p.Arg386Trp. To our knowledge, this variant has not been reported in the literature. This variant is reported in 0.029% of alleles in individuals of South Asian descent in gnomAD. At this time, the clinical significance of this variant is uncertain due to the absence of conclusive functional and genetic evidence.

Ambry Genetics
Classification: Uncertain significance for Inborn genetic diseases. Last evaluated: 2025-12-04. Review status: criteria provided, single submitter. Criteria: Ambry Variant Classification Scheme 2023. Collection method: clinical testing. Allele origin: germline.

Labcorp Genetics (formerly Invitae), Labcorp
Classification: Uncertain significance for Joubert syndrome. Last evaluated: 2022-10-13. Review status: criteria provided, single submitter. Criteria: Invitae Variant Classification Sherloc (09022015). Collection method: clinical testing. Allele origin: germline.
Comment: This sequence change replaces arginine, which is basic and polar, with tryptophan, which is neutral and slightly polar, at codon 386 of the AHI1 protein (p.Arg386Trp). The frequency data for this variant in the population databases is considered unreliable, as metrics indicate poor data quality at this position in the gnomAD database. This variant has not been reported in the literature in individuals affected with AHI1-related conditions. ClinVar contains an entry for this variant (Variation ID: 1383642). Advanced modeling of protein sequence and biophysical properties (such as structural, functional, and spatial information, amino acid conservation, physicochemical variation, residue mobility, and thermodynamic stability) performed at Invitae indicates that this missense variant is expected to disrupt AHI1 protein function. In summary, the available evidence is currently insufficient to determine the role of this variant in disease. Therefore, it has been classified as a Variant of Uncertain Significance.

Fulgent Genetics
Classification: Uncertain significance for Joubert syndrome 3. Last evaluated: 2022-01-03. Review status: criteria provided, single submitter. Criteria: ACMG Guidelines, 2015. Collection method: clinical testing. Allele origin: unknown.

Blueprint Genetics
Classification: Uncertain significance. Last evaluated: 2020-01-20. Review status: criteria provided, single submitter. Criteria: ACMG Guidelines, 2015. Collection method: clinical testing. Allele origin: germline.